The following is an entry in ClinVar:

ClinVar aggregate classification (germline): Uncertain significance (1 of 4 stars; one submission).

Submission:

Dasa
Classification: Uncertain significance. Last evaluated: 2026-01-21. Review status: criteria provided, single submitter. Criteria: DASA Assertion Criteria. Collection method: clinical testing. Allele origin: germline.
Comment: NM_000965.5(RARB):c.1276_1280del (p.Glu426Glnfs*3) is a frameshift variant in RARB predicted to alter the reading frame and introduce a premature termination codon. This variant is rare in population databases. The currently available literature and clinical evidence are not sufficient to establish a definitive association between this variant and the reported condition. Therefore, this variant is classified as a variant of uncertain significance.

NM_000965.5(RARB):c.1276_1280del (p.Glu426fs)

Gene: RARB (retinoic acid receptor beta; plus strand). Cytogenetic location: 3p24.2.
Variant type: Deletion.
Coding change: c.1276_1280del on transcript NM_000965.5 (MANE Select); coding-DNA positions 1276 to 1280, 5 bases deleted (GAGCA; older notation c.1276_1280delGAGCA).
Protein change: p.Glu426fs; shifts the reading frame from glutamic acid 426.
Molecular consequence: frameshift variant. On other transcripts: non-coding transcript variant (2).
Genome position (GRCh38, 1-based): chr3:25,596,545-25,596,549, GAGCA deleted; deleting any 5 consecutive bases within chr3:25,596,541-25,596,549 gives the same sequence; the c. name uses the placement nearest the transcript's 3' end. VCF-style (leftmost placement, unchanged base first): chr3-25596540-CAGCAG-C. GRCh37 (hg19) VCF-style: chr3-25638031-CAGCAG-C.
Other names: c.1297_1301del, p.Glu433fs (NM_001290216.3); c.940_944del, p.Glu314fs (NM_001290217.2, NM_001290276.2, NM_016152.4); c.1129_1133del, p.Glu377fs (NM_001290266.2); c.1138_1142del, p.Glu380fs (NM_001290277.1); c.1147_1151del, p.Glu383fs (NM_001290300.2); short protein forms E314fs, E377fs, E380fs, E383fs, E426fs, E433fs.
Identifiers: ClinVar variation 4886344 (VCV004886344.2).
Genomic context (GRCh38, chr3:25,596,540, plus strand): 5'-AAGAAATGCTGGAGAATTCTGAAGGACATGAACCCTTGACCCCAAGTTCAAGTGGGAACA[CAGCAG>C]AGCACAGTCCTAGCATCTCACCCAGCTCAGTGGAAAACAGTGGGGTCAGTCAGTCACCAC-3'